The following is an entry in ClinVar:

NM_001134673.4(NFIA):c.70C>T (p.Arg24Ter)

Gene: NFIA (nuclear factor I A; plus strand). Cytogenetic location: 1p31.3.
Variant type: single nucleotide variant.
Coding change: c.70C>T on transcript NM_001134673.4 (MANE Select); coding-DNA position 70, C replaced by T.
Protein change: p.Arg24Ter; replaces arginine 24 with a stop codon.
Molecular consequence: nonsense.
Genome position (GRCh38, 1-based): chr1:61,088,191, C>T. VCF-style: chr1-61088191-C-T. GRCh37 (hg19) VCF-style: chr1-61553863-C-T.
Other names: c.46C>T, p.Arg16Ter (NM_001145511.2); c.205C>T, p.Arg69Ter (NM_001145512.2); c.70C>T, p.Arg24Ter (NM_005595.5); c.70C>T (NM_001134673.3); short protein forms R16*, R24*, R69*.
Identifiers: ClinVar variation 420999 (VCV000420999.5), dbSNP rs1064794841, ClinGen allele CA16617174.

ClinVar aggregate classification (germline): Pathogenic/Likely pathogenic. Review status: criteria provided, multiple submitters, no conflicts (2 of 4 stars). 4 submissions from 4 submitters: Pathogenic (3); Likely pathogenic (1). Last evaluated 2025-08-12.

Conditions:
Brain malformations with or without urinary tract defects. Also called: Brain malformations and urinary tract defects. Identifiers: MedGen C4478940, MONDO:0100478, OMIM 613735.
Chromosome 1p32-p31 deletion syndrome. Identifiers: Orphanet 401986, MedGen C4707828, MONDO:0013396.

Submissions (4):

Variantyx, Inc.
Classification: Pathogenic for Brain malformations with or without urinary tract defects. Last evaluated: 2025-08-12. Review status: criteria provided, single submitter. Criteria: Variantyx Assertion Criteria 2022. Collection method: clinical testing. Allele origin: germline. Inheritance: Autosomal dominant inheritance. Affected: yes.
Comment: This is a nonsense variant in the NFIA gene (OMIM: 600727). Pathogenic variants in this gene have been associated with autosomal dominant brain malformations with or without urinary tract defects. This variant introduces a premature termination codon in exon 2 out of 11. It is expected to result in loss of function, which is a known disease mechanism for NFIA in this disorder (PMID: 28941020) (PVS1). This variant has been reported in at least 1 affected individual(s) (PMID: 28941020) (PS4). This variant is absent from control populations (PM2). Based on the current evidence, this variant is classified as pathogenic for autosomal dominant brain malformations with or without urinary tract defects.

Victorian Clinical Genetics Services, Murdoch Childrens Research Institute
Classification: Pathogenic for Brain malformations with or without urinary tract defects. Last evaluated: 2024-09-19. Review status: criteria provided, single submitter. Criteria: ACMG Guidelines, 2015. Collection method: clinical testing. Allele origin: germline. Inheritance: Autosomal dominant inheritance. Affected: yes.
Comment: Based on the classification scheme VCGS_Germline_v1.3.4, this variant is classified as Pathogenic. Following criteria are met: 0102 - Loss of function is a known mechanism of disease in this gene and is associated with brain malformations with or without urinary tract defects (MIM#613735). (I) 0107 - This gene is associated with autosomal dominant disease. (I) 0115 - Variants in this gene are known to have variable expressivity. Intra- and inter-familial variability has been observed (PMID: 28941020). (I) 0204 - Variant is predicted to result in a truncated protein (premature termination codon is located within the first 100 nucleotides of the coding sequence and is predicted to escape nonsense-mediated decay) with at least 1/3 of the protein sequence affected. (SP) 0251 - This variant is heterozygous. (I) 0301 - Variant is absent from gnomAD (both v2 and v3). (SP) 0703 - Other premature termination codon variants comparable to the one identified in this case have moderate previous evidence for pathogenicity. p.(Trp30*) and p.(Gln34*) have been classified as pathogenic by clinical laboratories in ClinVar. (SP) 0802 - This variant has moderate previous evidence of pathogenicity in unrelated individuals. This variant has been classified as pathogenic or likely pathogenic by clinical laboratories in ClinVar. This variant has also been observed in a mother and daughter and an unrelated de novo individual with NFIA-related symptoms (PMID: 28941020). (SP) 1007 - No published functional evidence has been identified for this variant. (I) 1208 - Inheritance information for this variant is not currently available in this individual. (I) Legend: (SP) - Supporting pathogenic, (I) - Information, (SB) - Supporting benign

Fulgent Genetics
Classification: Pathogenic for Brain malformations with or without urinary tract defects. Last evaluated: 2018-10-31. Review status: criteria provided, single submitter. Criteria: ACMG Guidelines, 2015. Collection method: clinical testing. Allele origin: unknown.

GeneDx
Classification: Likely pathogenic. Last evaluated: 2016-05-24. Review status: criteria provided, single submitter. Criteria: GeneDx Variant Classification (06012015). Collection method: clinical testing. Allele origin: germline. Affected: yes.
Comment: The R24X variant in the NFIA gene has not been reported previously as a pathogenic variant nor as a benign variant, to our knowledge. This variant is predicted to cause loss of normal protein function either through protein truncation or nonsense-mediated mRNA decay. The R24X variant was not observed in approximately 6,500 individuals of European and African American ancestry in the NHLBI Exome Sequencing Project, indicating it is not a common benign variant in these populations. The R24X variant is a strong candidate for a pathogenic variant

Literature cited by the submitters: PubMed 22031302 (cited by Variantyx, Inc.); PubMed 24462883 (cited by Variantyx, Inc.); PubMed 27081522 (cited by Variantyx, Inc.); PubMed 28941020 (cited by Variantyx, Inc. and Victorian Clinical Genetics Services, Murdoch Childrens Research Institute).